The following is an entry in ClinVar:

ClinVar aggregate classification (germline): Uncertain significance (1 of 4 stars; one submission).

Allele frequency attached by ClinVar (database versions not stated): gnomAD 0.00001; gnomAD exomes 0.00001; ExAC 0.00009.
gnomAD v4.1: 8 of 1,551,614 alleles (0.00052%); highest among the groups gnomAD compares: Middle Eastern, 0.017%; 1 homozygote.

Submission:

Labcorp Genetics (formerly Invitae), Labcorp
Classification: Uncertain significance. Last evaluated: 2023-03-21. Review status: criteria provided, single submitter. Criteria: Invitae Variant Classification Sherloc (09022015). Collection method: clinical testing. Allele origin: germline.
Comment: This sequence change replaces proline, which is neutral and non-polar, with leucine, which is neutral and non-polar, at codon 1941 of the TET2 protein (p.Pro1941Leu). This variant is present in population databases (rs750846884, gnomAD 0.009%). This variant has not been reported in the literature in individuals affected with TET2-related conditions. ClinVar contains an entry for this variant (Variation ID: 1956013). An algorithm developed to predict the effect of missense changes on protein structure and function (PolyPhen-2) suggests that this variant is likely to be tolerated. In summary, the available evidence is currently insufficient to determine the role of this variant in disease. Therefore, it has been classified as a Variant of Uncertain Significance.

NM_001127208.3(TET2):c.5822C>T (p.Pro1941Leu)

Genes: TET2 (tet methylcytosine dioxygenase 2; plus strand), TET2-AS1 (TET2 antisense RNA 1; minus strand). Cytogenetic location: 4q24.
Variant type: single nucleotide variant.
Coding change: c.5822C>T on transcript NM_001127208.3 (MANE Select); coding-DNA position 5822, C replaced by T.
Protein change: p.Pro1941Leu; replaces proline 1941 with leucine.
Molecular consequence: missense variant.
Genome position (GRCh38, 1-based): chr4:105,276,332, C>T. VCF-style: chr4-105276332-C-T. GRCh37 (hg19) VCF-style: chr4-106197489-C-T.
Other names: short protein forms P1941L.
Identifiers: ClinVar variation 1956013 (VCV001956013.5), dbSNP rs750846884, ClinGen allele CA3032293.